The following is an entry in ClinVar:

NM_000236.3(LIPC):c.517G>A (p.Val173Met)

Gene: LIPC (lipase C, hepatic type; plus strand). Cytogenetic location: 15q21.3.
Variant type: single nucleotide variant.
Coding change: c.517G>A on transcript NM_000236.3 (MANE Select); coding-DNA position 517, G replaced by A.
Protein change: p.Val173Met; replaces valine 173 with methionine.
Molecular consequence: missense variant.
Genome position (GRCh38, 1-based): chr15:58,542,594, G>A. VCF-style: chr15-58542594-G-A. GRCh37 (hg19) VCF-style: chr15-58834793-G-A.
Other names: short protein forms V173M.
Identifiers: ClinVar variation 1804137 (VCV001804137.2), dbSNP rs767952446, ClinGen allele CA7584890.

ClinVar aggregate classification (germline): Uncertain significance. Review status: criteria provided, multiple submitters, no conflicts (2 of 4 stars). 2 submissions from 2 submitters: Uncertain significance (2). Last evaluated 2025-10-06.

Conditions:
High density lipoprotein cholesterol level quantitative trait locus 12 (HDLCQ12). Identifiers: MedGen C2675071, OMIM 612797.

Allele frequency attached by ClinVar (database versions not stated): ExAC 0.00003; gnomAD 0.00004; TOPMed 0.00004.
gnomAD v4.1: 84 of 1,613,758 alleles (0.0052%); highest among the groups gnomAD compares: East Asian, 0.011%; no homozygotes.

Submissions (2):

Labcorp Genetics (formerly Invitae), Labcorp
Classification: Uncertain significance. Last evaluated: 2025-10-06. Review status: criteria provided, single submitter. Criteria: Invitae Variant Classification Sherloc (09022015). Collection method: clinical testing. Allele origin: germline.
Comment: This sequence change replaces valine, which is neutral and non-polar, with methionine, which is neutral and non-polar, at codon 173 of the LIPC protein (p.Val173Met). This variant is present in population databases (rs767952446, gnomAD 0.02%). This missense change has been observed in individual(s) with LIPC-related conditions (PMID: 22464213, 36325899). ClinVar contains an entry for this variant (Variation ID: 1804137). Invitae Evidence Modeling of protein sequence and biophysical properties (such as structural, functional, and spatial information, amino acid conservation, physicochemical variation, residue mobility, and thermodynamic stability) indicates that this missense variant is expected to disrupt LIPC protein function with a positive predictive value of 80%. Experimental studies have shown that this missense change affects LIPC function (PMID: 23219720). In summary, the available evidence is currently insufficient to determine the role of this variant in disease. Therefore, it has been classified as a Variant of Uncertain Significance.

Institute of Human Genetics, University of Leipzig Medical Center
Classification: Uncertain significance for High density lipoprotein cholesterol level quantitative trait locus 12. Last evaluated: 2022-11-24. Review status: criteria provided, single submitter. Criteria: ACMG Guidelines, 2015. Collection method: clinical testing. Allele origin: unknown. Affected: yes.
Comment: _x000D_ Criteria applied: PS4_SUP, PM2_SUP, PP3, PS3_SUP

Literature cited by the submitters: PubMed 22464213 (cited by Labcorp Genetics (formerly Invitae), Labcorp); PubMed 36325899 (cited by Labcorp Genetics (formerly Invitae), Labcorp); PubMed 23219720 (cited by Labcorp Genetics (formerly Invitae), Labcorp).